The following is an entry in ClinVar:

NM_021930.6(RINT1):c.1801C>T (p.Arg601Cys)

Gene: RINT1 (RAD50 interactor 1; plus strand). Cytogenetic location: 7q22.3.
Variant type: single nucleotide variant.
Coding change: c.1801C>T on transcript NM_021930.6 (MANE Select); coding-DNA position 1801, C replaced by T.
Protein change: p.Arg601Cys; replaces arginine 601 with cysteine.
Molecular consequence: missense variant. On other transcripts: non-coding transcript variant (1).
Genome position (GRCh38, 1-based): chr7:105,563,862, C>T. VCF-style: chr7-105563862-C-T. GRCh37 (hg19) VCF-style: chr7-105204309-C-T.
Other names: c.1567C>T, p.Arg523Cys (NM_001346599.2); c.778C>T, p.Arg260Cys (NM_001346600.2, NM_001346603.2); c.877C>T, p.Arg293Cys (NM_001346601.2); short protein forms R523C, R293C, R601C, R260C.
Identifiers: ClinVar variation 859027 (VCV000859027.11), dbSNP rs780570787, ClinGen allele CA4426770.

ClinVar aggregate classification (germline): Uncertain significance. Review status: criteria provided, multiple submitters, no conflicts (2 of 4 stars). 2 submissions from 2 submitters: Uncertain significance (2). Last evaluated 2025-09-14.

Allele frequency attached by ClinVar (database versions not stated): ExAC 0.00001; gnomAD exomes 0.00001; TOPMed 0.00001.
gnomAD v4.1: 48 of 1,613,956 alleles (0.003%); highest among the groups gnomAD compares: Non-Finnish European, 0.0038%; no homozygotes.

Submissions (2):

Ambry Genetics
Classification: Uncertain significance. Last evaluated: 2025-09-14. Review status: criteria provided, single submitter. Criteria: Ambry Variant Classification Scheme 2023. Collection method: clinical testing. Allele origin: germline.
Comment: The p.R601C variant (also known as c.1801C>T), located in coding exon 12 of the RINT1 gene, results from a C to T substitution at nucleotide position 1801. The arginine at codon 601 is replaced by cysteine, an amino acid with highly dissimilar properties. This variant was reported in 2/60,466 breast cancer cases and in 1/53,461 controls (Dorling et al. N Engl J Med. 2021 02;384:428-439). This amino acid position is well conserved in available vertebrate species. In addition, the in silico prediction for this alteration is inconclusive. Since supporting evidence is limited at this time, the clinical significance of this alteration remains unclear.

Labcorp Genetics (formerly Invitae), Labcorp
Classification: Uncertain significance. Last evaluated: 2022-09-12. Review status: criteria provided, single submitter. Criteria: Invitae Variant Classification Sherloc (09022015). Collection method: clinical testing. Allele origin: germline.
Comment: In summary, the available evidence is currently insufficient to determine the role of this variant in disease. Therefore, it has been classified as a Variant of Uncertain Significance. Algorithms developed to predict the effect of missense changes on protein structure and function are either unavailable or do not agree on the potential impact of this missense change (SIFT: "Deleterious"; PolyPhen-2: "Probably Damaging"; Align-GVGD: "Class C0"). ClinVar contains an entry for this variant (Variation ID: 859027). This variant has not been reported in the literature in individuals affected with RINT1-related conditions. This variant is present in population databases (rs780570787, gnomAD 0.003%). This sequence change replaces arginine, which is basic and polar, with cysteine, which is neutral and slightly polar, at codon 601 of the RINT1 protein (p.Arg601Cys).

Literature cited by the submitters: PubMed 33471991 (cited by Ambry Genetics).